The following is an entry in ClinVar:

ClinVar aggregate classification (germline): Pathogenic (1 of 4 stars; one submission).

Submission:

Labcorp Genetics (formerly Invitae), Labcorp
Classification: Pathogenic. Last evaluated: 2020-06-13. Review status: criteria provided, single submitter. Criteria: Invitae Variant Classification Sherloc (09022015). Collection method: clinical testing. Allele origin: germline.
Comment: For these reasons, this variant has been classified as Pathogenic. This variant is a gross deletion of the genomic region encompassing exon(s) 1-8 of the SLC26A4 gene, which includes the initiator codon. The 5' end of this event is unknown as it extends beyond the assayed region for this gene and therefore may encompass additional genes. The 3' boundary is likely confined to intron 8 of the SLC26A4 gene. This is expected to result in an absent or disrupted protein product. This variant has not been reported in the literature in individuals with SLC26A4-related conditions. Loss-of-function variants in SLC26A4 are known to be pathogenic (PMID: 16283880, 25394566, 26252218, 26445815).

Literature cited by the submitters: PubMed 16283880; PubMed 25394566; PubMed 26252218; PubMed 26445815.

NC_000007.13:g.(?_107301201)_(107324012_?)del

Gene: SLC26A4 (solute carrier family 26 member 4; plus strand). Cytogenetic location: 7q22.3.
Variant type: Deletion.
Identifiers: ClinVar variation 1073602 (VCV001073602.5).